The following is an entry in ClinVar:

ClinVar aggregate classification (germline): Uncertain significance (1 of 4 stars; one submission).

Conditions:
Ataxia-telangiectasia syndrome (AT). Also called: Ataxia-telangiectasia, complementation group E; Ataxia telangiectasia (A-T); LOUIS-BAR SYNDROME; ATAXIA-TELANGIECTASIA, FRESNO VARIANT; AT, COMPLEMENTATION GROUP C; Ataxia-telangiectasia. Identifiers: Orphanet 100, MedGen C0004135, MONDO:0008840, OMIM 208900.

Submission:

Labcorp Genetics (formerly Invitae), Labcorp
Classification: Uncertain significance for Ataxia-telangiectasia syndrome. Last evaluated: 2021-09-02. Review status: criteria provided, single submitter. Criteria: Invitae Variant Classification Sherloc (09022015). Collection method: clinical testing. Allele origin: germline.
Comment: This sequence change falls in intron 12 of the ATM gene. It does not directly change the encoded amino acid sequence of the ATM protein. This variant is not present in population databases (ExAC no frequency). This variant has not been reported in the literature in individuals affected with ATM-related conditions. Algorithms developed to predict the effect of sequence changes on RNA splicing suggest that this variant may disrupt the consensus splice site. In summary, the available evidence is currently insufficient to determine the role of this variant in disease. Therefore, it has been classified as a Variant of Uncertain Significance.

NM_000051.4(ATM):c.1899-5T>G

Gene: ATM (ATM serine/threonine kinase; plus strand). Cytogenetic location: 11q22.3.
Variant type: single nucleotide variant.
Coding change: c.1899-5T>G on transcript NM_000051.4 (MANE Select); 5 bases into the intron before coding-DNA position 1899, T replaced by G.
Molecular consequence: intron variant.
Genome position (GRCh38, 1-based): chr11:108,253,809, T>G. VCF-style: chr11-108253809-T-G. GRCh37 (hg19) VCF-style: chr11-108124536-T-G.
Other names: c.1899-5T>G (NM_001351834.2).
Identifiers: ClinVar variation 947250 (VCV000947250.7), dbSNP rs1591533679, ClinGen allele CA1139662161.